The following is an entry in ClinVar:

NC_000016.9:g.(?_23614482)_(23652679_?)del

Gene: PALB2 (partner and localizer of BRCA2; minus strand). Cytogenetic location: 16p12.2.
Variant type: Deletion.
Identifiers: ClinVar variation 1722456 (VCV001722456.1).

ClinVar aggregate classification (germline): Pathogenic (1 of 4 stars; one submission).

Conditions:
Hereditary breast ovarian cancer syndrome. Also called: BRCA1- and BRCA2-Associated Hereditary Breast and Ovarian Cancer; Hereditary breast and ovarian cancer syndrome (HBOC); Hereditary breast and ovarian cancer syndrome; Hereditary breast and ovarian cancer; Hereditary breast and/or ovarian cancer syndrome; Breast and ovarian cancer. Identifiers: Orphanet 145, MedGen C0677776, MeSH D061325, MONDO:0003582. Disease mechanism: loss of function.

Submission:

Women's Health and Genetics/Laboratory Corporation of America, LabCorp
Classification: Pathogenic for Hereditary breast ovarian cancer syndrome. Last evaluated: 2022-09-01. Review status: criteria provided, single submitter. Criteria: LabCorp Variant Classification Summary - May 2015. Collection method: clinical testing. Allele origin: germline.
Comment: Variant summary: The variant identified by MLPA or other technology involves the deletion of the entire coding sequence of the PALB2 gene. A presumed nomenclature of c.(?_-201)_(*298_?)del has been designated for the purposes of this classification. The variant was absent in 21694 control chromosomes (gnomAD, Structural Variants dataset). To our knowledge, no occurrence of c.(?_-201)_(*298_?)del in individuals affected with Hereditary Breast And Ovarian Cancer Syndrome and no experimental evidence demonstrating its impact on protein function have been reported. A ClinVar submitter (evaluation after 2014) cites the variant as pathogenic. Based on the evidence outlined above, the variant was classified as pathogenic.